The following is an entry in ClinVar:

ClinVar aggregate classification (germline): Uncertain significance (1 of 4 stars; one submission).

Conditions:
Hereditary cancer-predisposing syndrome. Also called: Tumor predisposition; Hereditary Cancer Syndrome; Neoplastic Syndromes, Hereditary; Hereditary neoplastic syndrome. Identifiers: Orphanet 140162, MedGen C0027672, MeSH D009386, MONDO:0015356.

Submission:

Color Diagnostics, LLC DBA Color Health
Classification: Uncertain significance for Hereditary cancer-predisposing syndrome. Last evaluated: 2025-04-14. Review status: criteria provided, single submitter. Criteria: ACMG Guidelines, 2015. Collection method: clinical testing. Allele origin: germline.
Comment: This missense variant replaces proline with glutamine at codon 659 of the BRCA1 protein. Computational prediction suggests that this variant may not impact protein structure and function. To our knowledge, functional studies have not been reported for this variant. This variant has not been reported in individuals affected with BRCA1-related disorders in the literature. This variant has not been identified in the general population by the Genome Aggregation Database (gnomAD). The available evidence is insufficient to determine the role of this variant in disease conclusively. Therefore, this variant is classified as a Variant of Uncertain Significance.

NM_007294.4(BRCA1):c.1976C>A (p.Pro659Gln)

Gene: BRCA1 (BRCA1 DNA repair associated; minus strand). Cytogenetic location: 17q21.31.
Variant type: single nucleotide variant.
Coding change: c.1976C>A on transcript NM_007294.4 (MANE Select); coding-DNA position 1976, C replaced by A.
Protein change: p.Pro659Gln; replaces proline 659 with glutamine.
Molecular consequence: missense variant. On other transcripts: intron variant (137).
Genome position (GRCh38, 1-based): chr17:43,093,555, G>T on the plus strand (C>A on the coding strand, the complement: BRCA1 is on the minus strand). VCF-style: chr17-43093555-G-T. GRCh37 (hg19) VCF-style: chr17-41245572-G-T.
Other names: c.1832C>A, p.Pro611Gln (NM_001407740.1, NM_001407741.1, NM_001407742.1 and 20 more transcripts); c.1976C>A, p.Pro659Gln (NM_001407617.1, NM_001407618.1, NM_001407619.1 and 30 more transcripts); c.1973C>A, p.Pro658Gln (NM_001407627.1, NM_001407628.1, NM_001407860.1 and 22 more transcripts); c.1835C>A, p.Pro612Gln (NM_001407750.1, NM_001407751.1, NM_001407752.1 and 29 more transcripts); c.1763C>A, p.Pro588Gln (NM_001407853.1, NM_001407894.1, NM_001407895.1 and 9 more transcripts); c.1775C>A, p.Pro592Gln (NM_001407862.1); c.1853C>A, p.Pro618Gln (NM_001407863.1, NM_001407919.1, NM_001407937.1 and 19 more transcripts); c.1772C>A, p.Pro591Gln (NM_001407874.1, NM_001407875.1); and 40 more; short protein forms P363Q, P491Q, P531Q, P532Q, P547Q, P548Q, P570Q, P571Q.
Identifiers: ClinVar variation 4756619 (VCV004756619.1).